The following is an entry in ClinVar:

ClinVar aggregate classification (germline): Pathogenic (1 of 4 stars; one submission).

Conditions:
Hereditary cancer-predisposing syndrome. Also called: Neoplastic Syndromes, Hereditary; Tumor predisposition; Hereditary neoplastic syndrome; Hereditary Cancer Syndrome. Identifiers: Orphanet 140162, MedGen C0027672, MeSH D009386, MONDO:0015356.

Allele frequency attached by ClinVar (database versions not stated): gnomAD exomes below 0.00001; ExAC 0.00001.
gnomAD v4.1: 3 of 1,614,178 alleles (0.00019%); highest among the groups gnomAD compares: Non-Finnish European, 0.00025%; no homozygotes.

Submission:

Ambry Genetics
Classification: Pathogenic for Hereditary cancer-predisposing syndrome. Last evaluated: 2024-03-12. Review status: criteria provided, single submitter. Criteria: Ambry Variant Classification Scheme 2023. Collection method: clinical testing. Allele origin: germline.
Comment: The p.Q158* pathogenic mutation (also known as c.472C>T), located in coding exon 3 of the TMEM127 gene, results from a C to T substitution at nucleotide position 472. This changes the amino acid from a glutamine to a stop codon within coding exon 3. This alteration occurs at the 3' terminus of theTMEM127 gene, is not expected to trigger nonsense-mediated mRNA decay, and only impacts the last 34.0% of the protein. However, premature stop codons are typically deleterious in nature and the impacted region is critical for protein function (Ambry internal data). This variant has been observed in at least one individual with a personal and/or family history that is consistent with TMEM127-related paraganglioma and pheochromocytoma syndrome (Ambry internal data). This variant is considered to be rare based on population cohorts in the Genome Aggregation Database (gnomAD). Based on the supporting evidence, this alteration is interpreted as a disease-causing mutation.

NM_017849.4(TMEM127):c.472C>T (p.Gln158Ter)

Gene: TMEM127 (transmembrane protein 127; minus strand). Cytogenetic location: 2q11.2.
Variant type: single nucleotide variant.
Coding change: c.472C>T on transcript NM_017849.4 (MANE Select); coding-DNA position 472, C replaced by T.
Protein change: p.Gln158Ter; replaces glutamine 158 with a stop codon.
Molecular consequence: nonsense.
Genome position (GRCh38, 1-based): chr2:96,254,053, G>A on the plus strand (C>T on the coding strand, the complement: TMEM127 is on the minus strand). VCF-style: chr2-96254053-G-A. GRCh37 (hg19) VCF-style: chr2-96919791-G-A.
Other names: c.472C>T, p.Gln158Ter (NM_001193304.3); c.220C>T, p.Gln74Ter (NM_001407282.1, NM_001407283.1); short protein forms Q158*, Q74*.
Identifiers: ClinVar variation 3227079 (VCV003227079.1), dbSNP rs769988721, ClinGen allele CA1777298.